The following is an entry in ClinVar:

NM_000503.6(EYA1):c.262T>C (p.Tyr88His)

Gene: EYA1 (EYA transcriptional coactivator and phosphatase 1; minus strand). Cytogenetic location: 8q13.3.
Variant type: single nucleotide variant.
Coding change: c.262T>C on transcript NM_000503.6 (MANE Select); coding-DNA position 262, T replaced by C.
Protein change: p.Tyr88His; replaces tyrosine 88 with histidine.
Molecular consequence: missense variant. On other transcripts: 5 prime UTR variant (1).
Genome position (GRCh38, 1-based): chr8:71,322,209, A>G on the plus strand (T>C on the coding strand, the complement: EYA1 is on the minus strand). VCF-style: chr8-71322209-A-G. GRCh37 (hg19) VCF-style: chr8-72234444-A-G.
Other names: c.262T>C, p.Tyr88His (NM_001288574.2, NM_001370334.1, NM_001370335.1 and 1 more transcripts); c.-23T>C (NM_001288575.2); c.349T>C, p.Tyr117His (NM_001370333.1, NM_001370336.1, NM_172059.5); c.163T>C, p.Tyr55His (NM_001411797.1, NM_172060.4); short protein forms Y117H, Y55H, Y88H.
Identifiers: ClinVar variation 4885084 (VCV004885084.2).

ClinVar aggregate classification (germline): Uncertain significance (1 of 4 stars; one submission).

gnomAD v4.1: 2 of 1,613,320 alleles (0.00012%); highest among the groups gnomAD compares: Admixed American, 0.0017%; no homozygotes.

Submission:

Dasa
Classification: Uncertain significance. Last evaluated: 2025-10-23. Review status: criteria provided, single submitter. Criteria: DASA Assertion Criteria. Collection method: clinical testing. Allele origin: germline.
Comment: NM_000503.6(EYA1):c.262T>C (p.Tyr88His) is a missense variant that results in the substitution of tyrosine with histidine. This variant is rare in population databases. The currently available literature and clinical evidence are not sufficient to establish a definitive association between this variant and the reported condition. Therefore, this variant is classified as a variant of uncertain significance.